The following is an entry in ClinVar:

ClinVar aggregate classification (germline): Uncertain significance (1 of 4 stars; one submission).

Conditions:
Leber congenital amaurosis 13 (LCA13). Identifiers: MedGen C2675186, MONDO:0012990, OMIM 612712.

Submission:

Labcorp Genetics (formerly Invitae), Labcorp
Classification: Uncertain significance for Leber congenital amaurosis 13. Last evaluated: 2022-06-15. Review status: criteria provided, single submitter. Criteria: Invitae Variant Classification Sherloc (09022015). Collection method: clinical testing. Allele origin: germline.
Comment: In summary, the available evidence is currently insufficient to determine the role of this variant in disease. Therefore, it has been classified as a Variant of Uncertain Significance. Algorithms developed to predict the effect of missense changes on protein structure and function are either unavailable or do not agree on the potential impact of this missense change (SIFT: "Deleterious"; PolyPhen-2: "Probably Damaging"; Align-GVGD: "Class C0"). This variant has not been reported in the literature in individuals affected with RDH12-related conditions. This variant is not present in population databases (gnomAD no frequency). This sequence change replaces aspartic acid, which is acidic and polar, with valine, which is neutral and non-polar, at codon 101 of the RDH12 protein (p.Asp101Val).

NM_152443.3(RDH12):c.302A>T (p.Asp101Val)

Genes: GPHN (gephyrin; plus strand), RDH12 (retinol dehydrogenase 12; plus strand). Cytogenetic location: 14q24.1.
Variant type: single nucleotide variant.
Coding change: c.302A>T on transcript NM_152443.3 (MANE Select); coding-DNA position 302, A replaced by T.
Protein change: p.Asp101Val; replaces aspartic acid 101 with valine.
Molecular consequence: missense variant.
Genome position (GRCh38, 1-based): chr14:67,725,213, A>T. VCF-style: chr14-67725213-A-T. GRCh37 (hg19) VCF-style: chr14-68191930-A-T.
Other names: short protein forms D101V.
Identifiers: ClinVar variation 2156688 (VCV002156688.4), dbSNP rs374675592, ClinGen allele CA390148768.